The following is an entry in ClinVar:

NM_172231.4(SUGP1):c.114C>T (p.Leu38=)

Gene: SUGP1 (SURP and G-patch domain containing 1; minus strand). Cytogenetic location: 19p13.11.
Variant type: single nucleotide variant.
Coding change: c.114C>T on transcript NM_172231.4 (MANE Select); coding-DNA position 114, C replaced by T.
Protein change: p.Leu38=; no amino-acid change (leucine 38 retained).
Molecular consequence: synonymous variant.
Genome position (GRCh38, 1-based): chr19:19,316,514, G>A on the plus strand (C>T on the coding strand, the complement: SUGP1 is on the minus strand). VCF-style: chr19-19316514-G-A. GRCh37 (hg19) VCF-style: chr19-19427323-G-A.
Identifiers: ClinVar variation 2649607 (VCV002649607.24), dbSNP rs149607008, ClinGen allele CA9325679.
Genomic context (GRCh38, chr19:19,316,514, plus strand): 5'-CTGATTCTGCTTGGCTTTCTGTTCCATTTTGGCTTCAATTTCCCGTTTCTTCTGAGCGAT[G>A]AGCTCTTCCTGGTGAAGGATGTTCATGTTCATTTTTCCAGATTTAGGGGGAGCAACCCCA-3'
Protein context (NP_757386.2, residues 28-48): MNMNILHQEE[Leu38=]IAQKKREIEA

ClinVar aggregate classification (germline): Likely benign (1 of 4 stars; one submission).

Allele frequency attached by ClinVar (database versions not stated): 1000 Genomes Project 30x 0.00062; 1000 Genomes Project 0.00080; ExAC 0.00171; gnomAD 0.00211; TOPMed 0.00216; ESP Exome Variant Server 0.00238; gnomAD exomes 0.00327.
gnomAD v4.1: 5,052 of 1,613,888 alleles (0.31%); highest among the groups gnomAD compares: Non-Finnish European, 0.39%; 10 homozygotes.

Submission:

CeGaT Center for Human Genetics Tuebingen
Classification: Likely benign. Last evaluated: 2022-07-01. Review status: criteria provided, single submitter. Criteria: CeGaT Center For Human Genetics Tuebingen Variant Classification Criteria Version 2. Collection method: clinical testing. Allele origin: germline. Affected: yes. Observed: 1 variant allele.
Comment: SUGP1: BP4, BP7